The following is an entry in ClinVar:

ClinVar aggregate classification (germline): Uncertain significance (1 of 4 stars; one submission).

gnomAD v4.1: 76 of 1,550,480 alleles (0.0049%); highest among the groups gnomAD compares: Admixed American, 0.035%; no homozygotes.

Submission:

Labcorp Genetics (formerly Invitae), Labcorp
Classification: Uncertain significance. Last evaluated: 2025-11-03. Review status: criteria provided, single submitter. Criteria: Invitae Variant Classification Sherloc (09022015). Collection method: clinical testing. Allele origin: germline.
Comment: This sequence change replaces alanine, which is neutral and non-polar, with threonine, which is neutral and polar, at codon 1272 of the TET2 protein (p.Ala1272Thr). This variant is present in population databases (no rsID available, gnomAD 0.01%). This variant has not been reported in the literature in individuals affected with TET2-related conditions. ClinVar contains an entry for this variant (Variation ID: 3702504). An algorithm developed to predict the effect of missense changes on protein structure and function (PolyPhen-2) suggests that this variant is likely to be disruptive. In summary, the available evidence is currently insufficient to determine the role of this variant in disease. Therefore, it has been classified as a Variant of Uncertain Significance.

NM_001127208.3(TET2):c.3814G>A (p.Ala1272Thr)

Genes: TET2 (tet methylcytosine dioxygenase 2; plus strand), TET2-AS1 (TET2 antisense RNA 1; minus strand). Cytogenetic location: 4q24.
Variant type: single nucleotide variant.
Coding change: c.3814G>A on transcript NM_001127208.3 (MANE Select); coding-DNA position 3814, G replaced by A.
Protein change: p.Ala1272Thr; replaces alanine 1272 with threonine.
Molecular consequence: missense variant.
Genome position (GRCh38, 1-based): chr4:105,259,629, G>A. VCF-style: chr4-105259629-G-A. GRCh37 (hg19) VCF-style: chr4-106180786-G-A.
Other names: short protein forms A1272T.
Identifiers: ClinVar variation 3702504 (VCV003702504.2).
Genomic context (GRCh38, chr4:105,259,629, plus strand): 5'-GCCTATATAATGCTATCCATAGCAATGAATTTGGTCTTTTGATTTTTCAGGAGAACTTGC[G>A]CCTGTCAGGGGCTGGATCCAGAAACCTGTGGTGCCTCCTTCTCTTTTGGTTGTTCATGGA-3'
Protein context (NP_001120680.1, residues 1262-1282): RCALNEERTC[Ala1272Thr]CQGLDPETCG